The following is an entry in ClinVar:

NM_019892.6(INPP5E):c.937-3C>T

Gene: INPP5E (inositol polyphosphate-5-phosphatase E; minus strand). Cytogenetic location: 9q34.3.
Variant type: single nucleotide variant.
Coding change: c.937-3C>T on transcript NM_019892.6 (MANE Select); 3 bases into the intron before coding-DNA position 937, C replaced by T.
Molecular consequence: intron variant.
Genome position (GRCh38, 1-based): chr9:136,434,137, G>A on the plus strand (C>T on the coding strand, the complement: INPP5E is on the minus strand). VCF-style: chr9-136434137-G-A. GRCh37 (hg19) VCF-style: chr9-139328589-G-A.
Other names: c.937-3C>T (NM_001318502.2).
Identifiers: ClinVar variation 1506036 (VCV001506036.6), dbSNP rs1404421521, ClinGen allele CA591184932.

ClinVar aggregate classification (germline): Uncertain significance (1 of 4 stars; one submission).

Conditions:
Joubert syndrome. Also called: CEREBELLOPARENCHYMAL DISORDER IV; JOUBERT-BOLTSHAUSER SYNDROME; Familial aplasia of the vermis. Identifiers: Orphanet 475, MedGen C5979921, MONDO:0018772.

Submission:

Labcorp Genetics (formerly Invitae), Labcorp
Classification: Uncertain significance for Joubert syndrome. Last evaluated: 2022-07-06. Review status: criteria provided, single submitter. Criteria: Invitae Variant Classification Sherloc (09022015). Collection method: clinical testing. Allele origin: germline.
Comment: In summary, the available evidence is currently insufficient to determine the role of this variant in disease. Therefore, it has been classified as a Variant of Uncertain Significance. This sequence change falls in intron 2 of the INPP5E gene. It does not directly change the encoded amino acid sequence of the INPP5E protein. It affects a nucleotide within the consensus splice site. The frequency data for this variant in the population databases is considered unreliable, as metrics indicate poor data quality at this position in the gnomAD database. This variant has not been reported in the literature in individuals affected with INPP5E-related conditions. ClinVar contains an entry for this variant (Variation ID: 1506036). Variants that disrupt the consensus splice site are a relatively common cause of aberrant splicing (PMID: 17576681, 9536098). Algorithms developed to predict the effect of sequence changes on RNA splicing suggest that this variant may disrupt the consensus splice site.

Literature cited by the submitters: PubMed 17576681; PubMed 9536098.